The following is an entry in ClinVar:

NM_002202.3(ISL1):c.822C>A (p.Asp274Glu)

Gene: ISL1 (ISL LIM homeobox 1; plus strand). Cytogenetic location: 5q11.1.
Variant type: single nucleotide variant.
Coding change: c.822C>A on transcript NM_002202.3 (MANE Select); coding-DNA position 822, C replaced by A.
Protein change: p.Asp274Glu; replaces aspartic acid 274 with glutamic acid.
Molecular consequence: missense variant.
Genome position (GRCh38, 1-based): chr5:51,391,330, C>A. VCF-style: chr5-51391330-C-A. GRCh37 (hg19) VCF-style: chr5-50687164-C-A.
Other names: short protein forms D274E.
Identifiers: ClinVar variation 4996597 (VCV004996597.1).

ClinVar aggregate classification (germline): Uncertain significance (1 of 4 stars; one submission).

Conditions:
ISL1-related disorder. Also called: ISL1-related condition.

gnomAD v4.1: 1 of 1,613,792 alleles (0.000062%); highest among the groups gnomAD compares: Non-Finnish European, 0.000085%; no homozygotes.

Submission:

PreventionGenetics, part of Exact Sciences
Classification: Uncertain significance for ISL1-related condition. Last evaluated: 2026-09-21. Review status: criteria provided, single submitter. Criteria: ACMG Guidelines, 2015. Collection method: clinical testing. Allele origin: germline.
Comment: The ISL1 c.822C>A variant is predicted to result in the amino acid substitution p.Asp274Glu. To our knowledge, this variant has not been reported in the literature or in a large population database (gnomAD), indicating this variant is rare. At this time, the clinical significance of this variant is uncertain due to the absence of conclusive functional and genetic evidence.